The following is an entry in ClinVar:

NM_004360.5(CDH1):c.2440-4T>G

Gene: CDH1 (cadherin 1; plus strand). Cytogenetic location: 16q22.1.
Variant type: single nucleotide variant.
Coding change: c.2440-4T>G on transcript NM_004360.5 (MANE Select); 4 bases into the intron before coding-DNA position 2440, T replaced by G.
Molecular consequence: intron variant.
Genome position (GRCh38, 1-based): chr16:68,833,286, T>G. VCF-style: chr16-68833286-T-G. GRCh37 (hg19) VCF-style: chr16-68867189-T-G.
Other names: c.892-4T>G (NM_001317185.2); c.475-4T>G (NM_001317186.2); c.2257-4T>G (NM_001317184.2); c.2440-4T>G (NM_004360.3).
Identifiers: ClinVar variation 918740 (VCV000918740.12), dbSNP rs1555518209, ClinGen allele CA1139664747.
Genomic context (GRCh38, chr16:68,833,286, plus strand): 5'-TTGCCCCAGATGACAGGTGTGCCCTTCCTTTCACTAAAAGATGCTTTTGTCCCTTCTTCT[T>G]TAGAATCTGAAAGCGGCTGATACTGACCCCACAGCCCCGCCTTATGATTCTCTGCTCGTG-3'

ClinVar aggregate classification (germline): Conflicting classifications of pathogenicity. Review status: criteria provided, conflicting classifications (1 of 4 stars). 3 submissions from 3 submitters: Uncertain significance (1); Likely benign (2). Last evaluated 2025-09-17.

Conditions:
Hereditary cancer-predisposing syndrome. Also called: Hereditary Cancer Syndrome; Hereditary neoplastic syndrome; Neoplastic Syndromes, Hereditary; Tumor predisposition. Identifiers: Orphanet 140162, MedGen C0027672, MeSH D009386, MONDO:0015356.
Hereditary diffuse gastric adenocarcinoma (HDGC). Also called: DIFFUSE GASTRIC AND LOBULAR BREAST CANCER SYNDROME. Identifiers: Orphanet 26106, MedGen C1708349, MONDO:0007648, OMIM 137215.

gnomAD v4.1: 1 of 1,613,798 alleles (0.000062%); highest among the groups gnomAD compares: African/African-American, 0.0013%; no homozygotes.

Submissions (3):

Ambry Genetics
Classification: Likely benign for Hereditary cancer-predisposing syndrome. Last evaluated: 2025-09-17. Review status: criteria provided, single submitter. Criteria: Ambry Variant Classification Scheme 2023. Collection method: clinical testing. Allele origin: germline.

Labcorp Genetics (formerly Invitae), Labcorp
Classification: Likely benign for Hereditary diffuse gastric adenocarcinoma. Last evaluated: 2022-02-10. Review status: criteria provided, single submitter. Criteria: Invitae Variant Classification Sherloc (09022015). Collection method: clinical testing. Allele origin: germline.

Color Diagnostics, LLC DBA Color Health
Classification: Uncertain significance for Hereditary cancer-predisposing syndrome. Last evaluated: 2020-01-14. Review status: criteria provided, single submitter. Criteria: ACMG Guidelines, 2015. Collection method: clinical testing. Allele origin: germline.
Comment: This variant causes a T>G nucleotide substitution at the -4 position of intron 15 of the CDH1 gene. To our knowledge, functional studies have not been performed for this variant. This variant has not been reported in individuals affected with hereditary cancer in the literature. This variant has not been identified in the general population by the Genome Aggregation Database (gnomAD). The available evidence is insufficient to determine the role of this variant in disease conclusively. Therefore, this variant is classified as a Variant of Uncertain Significance.